The following is an entry in ClinVar:

NM_003238.6(TGFB2):c.547C>T (p.Arg183Cys)

Gene: TGFB2 (transforming growth factor beta 2; plus strand). Cytogenetic location: 1q41.
Variant type: single nucleotide variant.
Coding change: c.547C>T on transcript NM_003238.6 (MANE Select); coding-DNA position 547, C replaced by T.
Protein change: p.Arg183Cys; replaces arginine 183 with cysteine.
Molecular consequence: missense variant. On other transcripts: non-coding transcript variant (2).
Genome position (GRCh38, 1-based): chr1:218,434,118, C>T. VCF-style: chr1-218434118-C-T. GRCh37 (hg19) VCF-style: chr1-218607460-C-T.
Other names: c.631C>T, p.Arg211Cys (NM_001135599.4); short protein forms R183C, R211C.
Identifiers: ClinVar variation 547806 (VCV000547806.6), dbSNP rs1436552875, ClinGen allele CA344726494.

ClinVar aggregate classification (germline): Conflicting classifications of pathogenicity. Review status: criteria provided, conflicting classifications (1 of 4 stars). 4 submissions from 4 submitters: Likely pathogenic (2); Uncertain significance (2). Last evaluated 2025-09-15.

Conditions:
Loeys-Dietz syndrome 4 (LDS4). Also called: ANEURYSM, AORTIC AND CEREBRAL, WITH ARTERIAL TORTUOSITY AND SKELETAL MANIFESTATIONS; TGFB2-Related Loeys-Dietz Syndrome. Identifiers: MedGen C3553762, MONDO:0013897, OMIM 614816.
Familial thoracic aortic aneurysm and aortic dissection (TAAD). Also called: Thoracic aortic aneurysms and dissections. Identifiers: Orphanet 91387, MedGen C4707243, MONDO:0019625.

Allele frequency attached by ClinVar (database versions not stated): gnomAD exomes below 0.00001; TOPMed below 0.00001; gnomAD 0.00001.
gnomAD v4.1: 10 of 1,614,040 alleles (0.00062%); highest among the groups gnomAD compares: Non-Finnish European, 0.00059%; no homozygotes.

Submissions (4):

Labcorp Genetics (formerly Invitae), Labcorp
Classification: Likely pathogenic for Loeys-Dietz syndrome 4. Last evaluated: 2025-09-15. Review status: criteria provided, single submitter. Criteria: Invitae Variant Classification Sherloc (09022015). Collection method: clinical testing. Allele origin: germline.
Comment: This sequence change replaces arginine, which is basic and polar, with cysteine, which is neutral and slightly polar, at codon 183 of the TGFB2 protein (p.Arg183Cys). This variant is present in population databases (no rsID available, gnomAD 0.03%). This missense change has been observed in individuals with clinical features of TGFB2-related conditions (PMID: 32897753; internal data). This variant is also known as p.Arg211Cys. ClinVar contains an entry for this variant (Variation ID: 547806). Invitae Evidence Modeling of protein sequence and biophysical properties (such as structural, functional, and spatial information, amino acid conservation, physicochemical variation, residue mobility, and thermodynamic stability) indicates that this missense variant is expected to disrupt TGFB2 protein function with a positive predictive value of 80%. This variant disrupts the p.Arg183 amino acid residue in TGFB2. Other variant(s) that disrupt this residue have been observed in individuals with TGFB2-related conditions (internal data), which suggests that this may be a clinically significant amino acid residue. In summary, the currently available evidence indicates that the variant is pathogenic, but additional data are needed to prove that conclusively. Therefore, this variant has been classified as Likely Pathogenic.

Ambry Genetics
Classification: Uncertain significance for Familial thoracic aortic aneurysm and aortic dissection. Last evaluated: 2024-12-09. Review status: criteria provided, single submitter. Criteria: Ambry Variant Classification Scheme 2023. Collection method: clinical testing. Allele origin: germline.
Comment: The p.R183C variant (also known as c.547C>T), located in coding exon 3 of the TGFB2 gene, results from a C to T substitution at nucleotide position 547. The arginine at codon 183 is replaced by cysteine, an amino acid with highly dissimilar properties. This variant was reported in a coronary artery dissection cohort (Carss KJ et al. Circ Genom Precis Med, 2020 Dec;13:e003030). This amino acid position is highly conserved in available vertebrate species. In addition, this alteration is predicted to be deleterious by in silico analysis. Based on the available evidence, the clinical significance of this variant remains unclear.

GeneDx
Classification: Uncertain significance. Last evaluated: 2024-07-15. Review status: criteria provided, single submitter. Criteria: GeneDx Variant Classification Process June 2021. Collection method: clinical testing. Allele origin: germline. Affected: yes.
Comment: Identified in patients with spontaneous coronary artery dissection (SCAD) in published literature (PMID: 33125268, 32897753); Not observed at significant frequency in large population cohorts (gnomAD); In silico analysis supports that this missense variant has a deleterious effect on protein structure/function; Also known as p.(R211C); This variant is associated with the following publications: (PMID: 33125268, 32897753, 28506304)

Center for Human Genetics, Inc
Classification: Likely pathogenic for Loeys-Dietz syndrome 4. Last evaluated: 2016-11-01. Review status: criteria provided, single submitter. Criteria: ACMG Guidelines, 2015. Collection method: clinical testing. Allele origin: germline. Affected: yes.

Literature cited by the submitters: PubMed 32897753 (cited by Labcorp Genetics (formerly Invitae), Labcorp and Ambry Genetics); PubMed 33125268 (cited by Ambry Genetics).